The following is an entry in ClinVar:

ClinVar aggregate classification (germline): Likely benign. Review status: criteria provided, multiple submitters, no conflicts (2 of 4 stars). 5 submissions from 5 submitters: Likely benign (4). 1 of the submissions does not count toward it. Last evaluated 2025-11-09.

Conditions:
Early-infantile DEE. Also called: Early infantile epileptic encephalopathy; Ohtahara syndrome; Early infantile epileptic encephalopathy with suppression bursts. Identifiers: Orphanet 1934, MedGen C0393706, MONDO:0800491.
HCN1-related disorder. Also called: HCN1-related condition; HCN1-related disorders.
Inborn genetic diseases. Identifiers: MedGen C0950123, MeSH D030342.

Allele frequency attached by ClinVar (database versions not stated): gnomAD exomes 0.00010 and 0.00012; gnomAD 0.00011 and 0.00013; ExAC 0.00012; TOPMed 0.00013; ESP Exome Variant Server 0.00023.
gnomAD v4.1: 192 of 1,613,246 alleles (0.012%); highest among the groups gnomAD compares: Middle Eastern, 0.049%; no homozygotes.

Submissions (5):

Labcorp Genetics (formerly Invitae), Labcorp
Classification: Likely benign for Early-infantile DEE. Last evaluated: 2025-11-09. Review status: criteria provided, single submitter. Criteria: Invitae Variant Classification Sherloc (09022015). Collection method: clinical testing. Allele origin: germline.

CeGaT Center for Human Genetics Tuebingen
Classification: Likely benign. Last evaluated: 2024-05-01. Review status: criteria provided, single submitter. Criteria: CeGaT Center For Human Genetics Tuebingen Variant Classification Criteria Version 2. Collection method: clinical testing. Allele origin: germline. Affected: yes. Observed: 2 variant alleles.
Comment: HCN1: BP4, BP7

Ambry Genetics
Classification: Likely benign for Inborn genetic diseases. Last evaluated: 2017-07-28. Review status: criteria provided, single submitter. Criteria: Ambry Variant Classification Scheme 2023. Collection method: clinical testing. Allele origin: germline.

Breakthrough Genomics
Classification: Likely benign. Review status: criteria provided, single submitter. Criteria: ACMG Guidelines, 2015. Collection method: not provided. Allele origin: germline. Inheritance: Autosomal dominant inheritance. Affected: yes.

PreventionGenetics, part of Exact Sciences
Classification: Likely benign for HCN1-related condition. Last evaluated: 2019-09-23. Review status: no assertion criteria provided. Collection method: clinical testing. Allele origin: germline. Not counted in ClinVar's aggregate classification.
Comment: This variant is classified as likely benign based on ACMG/AMP sequence variant interpretation guidelines (Richards et al. 2015 PMID: 25741868, with internal and published modifications).

NM_021072.4(HCN1):c.1521C>T (p.Ala507=)

Gene: HCN1 (hyperpolarization activated cyclic nucleotide gated potassium channel 1; minus strand). Cytogenetic location: 5p12.
Variant type: single nucleotide variant.
Coding change: c.1521C>T on transcript NM_021072.4 (MANE Select); coding-DNA position 1521, C replaced by T.
Protein change: p.Ala507=; no amino-acid change (alanine 507 retained).
Molecular consequence: synonymous variant.
Genome position (GRCh38, 1-based): chr5:45,303,696, G>A on the plus strand (C>T on the coding strand, the complement: HCN1 is on the minus strand). VCF-style: chr5-45303696-G-A. GRCh37 (hg19) VCF-style: chr5-45303798-G-A.
Identifiers: ClinVar variation 461360 (VCV000461360.38), dbSNP rs55642950, ClinGen allele CA3259275.